The following is an entry in ClinVar:

ClinVar aggregate classification (germline): Uncertain significance. Review status: criteria provided, multiple submitters, no conflicts (2 of 4 stars). 3 submissions from 3 submitters: Uncertain significance (3). Last evaluated 2025-05-08.

Conditions:
Catecholaminergic polymorphic ventricular tachycardia (CVPT). Also called: Catecholamine-induced polymorphic ventricular tachycardia. Identifiers: Orphanet 3286, MedGen C5574922, MONDO:0017990.
Cardiovascular phenotype. Identifiers: MedGen CN230736.
Catecholaminergic polymorphic ventricular tachycardia 1. Also called: VENTRICULAR TACHYCARDIA, CATECHOLAMINERGIC POLYMORPHIC, 1, WITH OR WITHOUT ATRIAL DYSFUNCTION AND/OR DILATED CARDIOMYOPATHY; VENTRICULAR TACHYCARDIA, STRESS-INDUCED POLYMORPHIC 1; RYR2-Related Catecholaminergic Polymorphic Ventricular Tachycardia. Identifiers: Orphanet 3286, MedGen C1631597, MONDO:0011484, OMIM 604772.

Allele frequency attached by ClinVar (database versions not stated): TOPMed below 0.00001.

Submissions (3):

Ambry Genetics
Classification: Uncertain significance for Cardiovascular phenotype. Last evaluated: 2025-05-08. Review status: criteria provided, single submitter. Criteria: Ambry Variant Classification Scheme 2023. Collection method: clinical testing. Allele origin: germline.
Comment: The p.A4070V variant (also known as c.12209C>T), located in coding exon 90 of the RYR2 gene, results from a C to T substitution at nucleotide position 12209. The alanine at codon 4070 is replaced by valine, an amino acid with similar properties. This amino acid position is well conserved in available vertebrate species. In addition, this alteration is predicted to be tolerated by in silico analysis. Since supporting evidence is limited at this time, the clinical significance of this alteration remains unclear.

Labcorp Genetics (formerly Invitae), Labcorp
Classification: Uncertain significance for Catecholaminergic polymorphic ventricular tachycardia 1. Last evaluated: 2024-01-07. Review status: criteria provided, single submitter. Criteria: Invitae Variant Classification Sherloc (09022015). Collection method: clinical testing. Allele origin: germline.
Comment: This sequence change replaces alanine, which is neutral and non-polar, with valine, which is neutral and non-polar, at codon 4070 of the RYR2 protein (p.Ala4070Val). This variant is not present in population databases (gnomAD no frequency). This variant has not been reported in the literature in individuals affected with RYR2-related conditions. ClinVar contains an entry for this variant (Variation ID: 1752901). Advanced modeling of protein sequence and biophysical properties (such as structural, functional, and spatial information, amino acid conservation, physicochemical variation, residue mobility, and thermodynamic stability) performed at Invitae indicates that this missense variant is not expected to disrupt RYR2 protein function with a negative predictive value of 95%. In summary, the available evidence is currently insufficient to determine the role of this variant in disease. Therefore, it has been classified as a Variant of Uncertain Significance.

All of Us Research Program, National Institutes of Health
Classification: Uncertain significance for Catecholaminergic polymorphic ventricular tachycardia. Last evaluated: 2023-04-03. Review status: criteria provided, single submitter. Criteria: ACMG Guidelines, 2015. Collection method: clinical testing. Allele origin: germline. Inheritance: Autosomal dominant inheritance. Observed: 1 variant allele, 1 heterozygote.
Comment: This missense variant replaces alanine with valine at codon 4070 of the RYR2 protein. Computational prediction suggests that this variant may not impact protein structure and function (internally defined REVEL score threshold <= 0.5, PMID: 27666373). To our knowledge, functional studies have not been reported for this variant. This variant has not been reported in individuals affected with RYR2-related disorders in the literature. This variant has not been identified in the general population by the Genome Aggregation Database (gnomAD). The available evidence is insufficient to determine the role of this variant in disease conclusively. Therefore, this variant is classified as a Variant of Uncertain Significance.

This study involves interpretation of variants in research participants for the purpose of population health screening. Participant phenotype was not available at the time of variant classification. Additional details can be found in publication PMID: 35346344, PMCID: PMC8962531

NM_001035.3(RYR2):c.12209C>T (p.Ala4070Val)

Gene: RYR2 (ryanodine receptor 2; plus strand). Cytogenetic location: 1q43.
Variant type: single nucleotide variant.
Coding change: c.12209C>T on transcript NM_001035.3 (MANE Select); coding-DNA position 12209, C replaced by T.
Protein change: p.Ala4070Val; replaces alanine 4070 with valine.
Molecular consequence: missense variant.
Genome position (GRCh38, 1-based): chr1:237,783,921, C>T. VCF-style: chr1-237783921-C-T. GRCh37 (hg19) VCF-style: chr1-237947221-C-T.
Other names: short protein forms A4070V.
Identifiers: ClinVar variation 1752901 (VCV001752901.9), dbSNP rs777939821, ClinGen allele CA085147.